The following is an entry in ClinVar:

NM_001197104.2(KMT2A):c.7213T>G (p.Leu2405Val)

Gene: KMT2A (lysine methyltransferase 2A; plus strand). Cytogenetic location: 11q23.3.
Variant type: single nucleotide variant.
Coding change: c.7213T>G on transcript NM_001197104.2 (MANE Select); coding-DNA position 7213, T replaced by G.
Protein change: p.Leu2405Val; replaces leucine 2405 with valine.
Molecular consequence: missense variant.
Genome position (GRCh38, 1-based): chr11:118,503,105, T>G. VCF-style: chr11-118503105-T-G. GRCh37 (hg19) VCF-style: chr11-118373820-T-G.
Other names: c.7303T>G, p.Leu2435Val (NM_001412597.1); c.7204T>G, p.Leu2402Val (NM_005933.4); short protein forms L2402V, L2405V, L2435V.
Identifiers: ClinVar variation 4851906 (VCV004851906.1).

ClinVar aggregate classification (germline): Uncertain significance (1 of 4 stars; one submission).

gnomAD v4.1: 1 of 1,613,232 alleles (0.000062%); highest among the groups gnomAD compares: Non-Finnish European, 0.000085%; no homozygotes.

Submission:

Dasa
Classification: Uncertain significance. Last evaluated: 2025-11-27. Review status: criteria provided, single submitter. Criteria: DASA Assertion Criteria. Collection method: clinical testing. Allele origin: germline.
Comment: NM_001197104.2(KMT2A):c.7213T>G (p.Leu2405Val) is a missense variant that results in the substitution of leucine with valine. The variant is present at low frequency in population datasets. Based on the available data, this variant is classified as variant of uncertain significance.